The following is an entry in ClinVar:

NM_080680.3(COL11A2):c.2681C>T (p.Pro894Leu)

Gene: COL11A2 (collagen type XI alpha 2 chain; minus strand). Cytogenetic location: 6p21.32.
Variant type: single nucleotide variant.
Coding change: c.2681C>T on transcript NM_080680.3 (MANE Select); coding-DNA position 2681, C replaced by T.
Protein change: p.Pro894Leu; replaces proline 894 with leucine.
Molecular consequence: missense variant.
Genome position (GRCh38, 1-based): chr6:33,173,503, G>A on the plus strand (C>T on the coding strand, the complement: COL11A2 is on the minus strand). VCF-style: chr6-33173503-G-A. GRCh37 (hg19) VCF-style: chr6-33141280-G-A.
Other names: c.2360C>T, p.Pro787Leu (NM_080679.3); c.2423C>T, p.Pro808Leu (NM_080681.3); short protein forms P894L, P787L, P808L.
Identifiers: ClinVar variation 46561 (VCV000046561.27), dbSNP rs2855430, ClinGen allele CA138623.

ClinVar aggregate classification (germline): Benign/Likely benign. Review status: criteria provided, multiple submitters, no conflicts (2 of 4 stars). 12 submissions from 11 submitters: Benign (9); Likely benign (1). 2 of the submissions do not count toward it. Last evaluated 2026-05-09.

Conditions:
Fibrochondrogenesis 2 (FBCG2). Identifiers: Orphanet 2021, MedGen C3281128, MONDO:0013795, OMIM 614524.
Otospondylomegaepiphyseal dysplasia, autosomal recessive (OSMEDB). Also called: CHONDRODYSTROPHY WITH SENSORINEURAL DEAFNESS; Insley-Astley syndrome. Identifiers: Orphanet 1427, MedGen CN034493, MONDO:0044206, OMIM 215150.

Allele frequency attached by ClinVar (database versions not stated): TOPMed 0.08705; ESP Exome Variant Server 0.09618; gnomAD 0.09772 and 0.10162; 1000 Genomes Project 30x 0.09791; 1000 Genomes Project 0.10224; gnomAD exomes 0.12155; ExAC 0.12304.
gnomAD v4.1: 210,700 of 1,611,686 alleles (13%); highest among the groups gnomAD compares: South Asian, 18%; 14,943 homozygotes.

Submissions (12):

Women's Health and Genetics/Laboratory Corporation of America, LabCorp
Classification: Likely benign. Last evaluated: 2026-05-09. Review status: criteria provided, single submitter. Criteria: LabCorp Variant Classification Summary - May 2015. Collection method: clinical testing. Allele origin: germline.

Labcorp Genetics (formerly Invitae), Labcorp
Classification: Benign. Last evaluated: 2026-02-04. Review status: criteria provided, single submitter. Criteria: Invitae Variant Classification Sherloc (09022015). Collection method: clinical testing. Allele origin: germline.

Blueprint Genetics
Classification: Benign. Last evaluated: 2024-11-26. Review status: criteria provided, single submitter. Criteria: ACMG Guidelines, 2015. Collection method: clinical testing. Allele origin: germline.

Mayo Clinic Laboratories, Mayo Clinic
Classification: Benign. Last evaluated: 2020-01-27. Review status: criteria provided, single submitter. Criteria: ACMG Guidelines, 2015. Collection method: clinical testing. Allele origin: germline. Observed: 40 variant alleles.

Illumina Laboratory Services, Illumina
Classification: Benign for Otospondylomegaepiphyseal dysplasia, autosomal recessive. Last evaluated: 2018-01-13. Review status: criteria provided, single submitter. Criteria: ICSL Variant Classification Criteria 13 December 2019. Collection method: clinical testing. Allele origin: germline.
Comment: This variant was observed in the ICSL laboratory as part of a predisposition screen in an ostensibly healthy population. It had not been previously curated by ICSL or reported in the Human Gene Mutation Database (HGMD: prior to June 1st, 2018), and was therefore a candidate for classification through an automated scoring system. Utilizing variant allele frequency, disease prevalence and penetrance estimates, and inheritance mode, an automated score was calculated to assess if this variant is too frequent to cause the disease. Based on the score and internal cut-off values, a variant classified as benign is not then subjected to further curation. The score for this variant resulted in a classification of benign for this disease.

Illumina Laboratory Services, Illumina
Classification: Benign for Fibrochondrogenesis 2. Last evaluated: 2018-01-13. Review status: criteria provided, single submitter. Criteria: ICSL Variant Classification Criteria 13 December 2019. Collection method: clinical testing. Allele origin: germline.
Comment: the same text as in the submission from Illumina Laboratory Services, Illumina above.

GeneDx
Classification: Benign. Last evaluated: 2016-10-03. Review status: criteria provided, single submitter. Criteria: GeneDx Variant Classification (06012015). Collection method: clinical testing. Allele origin: germline. Affected: yes.
Comment: This variant is considered likely benign or benign based on one or more of the following criteria: it is a conservative change, it occurs at a poorly conserved position in the protein, it is predicted to be benign by multiple in silico algorithms, and/or has population frequency not consistent with disease.

Eurofins Ntd Llc (ga)
Classification: Benign. Last evaluated: 2016-02-04. Review status: criteria provided, single submitter. Criteria: EGL Classification Definitions 2015. Collection method: clinical testing. Allele origin: germline. Observed: 32 variant alleles, 30 heterozygotes, 2 homozygotes.

Laboratory for Molecular Medicine, Mass General Brigham Personalized Medicine
Classification: Benign. Last evaluated: 2012-05-07. Review status: criteria provided, single submitter. Criteria: LMM Criteria. Collection method: clinical testing. Allele origin: germline. Observed: 350 variant alleles.
Comment: Pro894Leu in Exon 36 of COL11A2: This variant is not expected to have clinical s ignificance because it has been identified in 13.1% (919/7012) of European Ameri can chromosomes from a broad population by the NHLBI Exome Sequencing Project (dbSNP rs2855430).

PreventionGenetics, part of Exact Sciences
Classification: Benign. Review status: criteria provided, single submitter. Criteria: ACMG Guidelines, 2015. Collection method: clinical testing. Allele origin: germline.

Genome Diagnostics Laboratory, Amsterdam University Medical Center
Classification: Benign. Review status: no assertion criteria provided. Collection method: clinical testing. Allele origin: germline. Affected: yes. Study: VKGL Data-share Consensus. Not counted in ClinVar's aggregate classification.

Joint Genome Diagnostic Labs from Nijmegen and Maastricht, Radboudumc and MUMC+
Classification: Benign. Review status: no assertion criteria provided. Collection method: clinical testing. Allele origin: germline. Affected: yes. Study: VKGL Data-share Consensus. Not counted in ClinVar's aggregate classification.